The following is an entry in ClinVar:

NM_000117.3(EMD):c.192G>C (p.Leu64Phe)

Gene: EMD (emerin; plus strand). Cytogenetic location: Xq28.
Variant type: single nucleotide variant.
Coding change: c.192G>C on transcript NM_000117.3 (MANE Select); coding-DNA position 192, G replaced by C.
Protein change: p.Leu64Phe; replaces leucine 64 with phenylalanine.
Molecular consequence: missense variant.
Genome position (GRCh38, 1-based): chrX:154,379,946, G>C. VCF-style: chrX-154379946-G-C. GRCh37 (hg19) VCF-style: chrX-153608306-G-C.
Other names: short protein forms L64F.
Identifiers: ClinVar variation 949967 (VCV000949967.10), dbSNP rs782066603, ClinGen allele CA337289378.

ClinVar aggregate classification (germline): Uncertain significance (1 of 4 stars; one submission).

Conditions:
X-linked Emery-Dreifuss muscular dystrophy. Also called: Muscular dystrophy, tardive Emery-Dreifuss type, with contractures. Identifiers: MedGen C0751337, MONDO:0010680, Orphanet 261, Orphanet 98863.

Submission:

Labcorp Genetics (formerly Invitae), Labcorp
Classification: Uncertain significance for X-linked Emery-Dreifuss muscular dystrophy. Last evaluated: 2022-08-15. Review status: criteria provided, single submitter. Criteria: Invitae Variant Classification Sherloc (09022015). Collection method: clinical testing. Allele origin: germline.
Comment: ClinVar contains an entry for this variant (Variation ID: 949967). This sequence change replaces leucine, which is neutral and non-polar, with phenylalanine, which is neutral and non-polar, at codon 64 of the EMD protein (p.Leu64Phe). This variant is not present in population databases (gnomAD no frequency). This variant has not been reported in the literature in individuals affected with EMD-related conditions. Algorithms developed to predict the effect of missense changes on protein structure and function output the following: SIFT: "Deleterious"; PolyPhen-2: "Benign"; Align-GVGD: "Class C0". The phenylalanine amino acid residue is found in multiple mammalian species, which suggests that this missense change does not adversely affect protein function. In summary, the available evidence is currently insufficient to determine the role of this variant in disease. Therefore, it has been classified as a Variant of Uncertain Significance.